The following is an entry in ClinVar:

NM_004963.4(GUCY2C):c.1530A>C (p.Lys510Asn)

Gene: GUCY2C (guanylate cyclase 2C; minus strand). Cytogenetic location: 12p12.3.
Variant type: single nucleotide variant.
Coding change: c.1530A>C on transcript NM_004963.4 (MANE Select); coding-DNA position 1530, A replaced by C.
Protein change: p.Lys510Asn; replaces lysine 510 with asparagine.
Molecular consequence: missense variant.
Genome position (GRCh38, 1-based): chr12:14,652,955, T>G on the plus strand (A>C on the coding strand, the complement: GUCY2C is on the minus strand). VCF-style: chr12-14652955-T-G. GRCh37 (hg19) VCF-style: chr12-14805889-T-G.
Other names: short protein forms K510N.
Identifiers: ClinVar variation 2699949 (VCV002699949.3), dbSNP rs767364118, ClinGen allele CA6463389.

ClinVar aggregate classification (germline): Uncertain significance (1 of 4 stars; one submission).

Allele frequency attached by ClinVar (database versions not stated): ExAC 0.00001; gnomAD 0.00001; TOPMed 0.00001; gnomAD exomes 0.00002.
gnomAD v4.1: 33 of 1,605,894 alleles (0.0021%); highest among the groups gnomAD compares: Non-Finnish European, 0.0025%; no homozygotes.

Submission:

Labcorp Genetics (formerly Invitae), Labcorp
Classification: Uncertain significance. Last evaluated: 2024-01-19. Review status: criteria provided, single submitter. Criteria: Invitae Variant Classification Sherloc (09022015). Collection method: clinical testing. Allele origin: germline.
Comment: This sequence change replaces lysine, which is basic and polar, with asparagine, which is neutral and polar, at codon 510 of the GUCY2C protein (p.Lys510Asn). This variant is present in population databases (rs767364118, gnomAD 0.002%). This variant has not been reported in the literature in individuals affected with GUCY2C-related conditions. Advanced modeling of protein sequence and biophysical properties (such as structural, functional, and spatial information, amino acid conservation, physicochemical variation, residue mobility, and thermodynamic stability) performed at Invitae indicates that this missense variant is not expected to disrupt GUCY2C protein function with a negative predictive value of 80%. In summary, the available evidence is currently insufficient to determine the role of this variant in disease. Therefore, it has been classified as a Variant of Uncertain Significance.